The following is an entry in ClinVar:

ClinVar aggregate classification (germline): Conflicting classifications of pathogenicity. Review status: criteria provided, conflicting classifications (1 of 4 stars). 3 submissions from 3 submitters: Uncertain significance (2); Benign (1). Last evaluated 2025-12-16.

Conditions:
Inborn genetic diseases. Identifiers: MedGen C0950123, MeSH D030342.
Spastic paraplegia. Identifiers: MedGen C0037772, HP:0001258.

Allele frequency attached by ClinVar (database versions not stated): ExAC 0.00001; gnomAD exomes 0.00002; gnomAD 0.00003; TOPMed 0.00003; ESP Exome Variant Server 0.00009; 1000 Genomes Project 30x 0.00021; 1000 Genomes Project 0.00026.
gnomAD v4.1: 22 of 1,209,818 alleles (0.0018%); highest among the groups gnomAD compares: African/African-American, 0.026%; no homozygotes.

Submissions (3):

Labcorp Genetics (formerly Invitae), Labcorp
Classification: Benign for Spastic paraplegia. Last evaluated: 2025-12-16. Review status: criteria provided, single submitter. Criteria: Invitae Variant Classification Sherloc (09022015). Collection method: clinical testing. Allele origin: germline.

Mayo Clinic Laboratories, Mayo Clinic
Classification: Uncertain significance. Last evaluated: 2022-04-22. Review status: criteria provided, single submitter. Criteria: ACMG Guidelines, 2015. Collection method: clinical testing. Allele origin: germline. Observed: 1 variant allele.
Comment: BP4

Ambry Genetics
Classification: Uncertain significance for Inborn genetic diseases. Last evaluated: 2017-09-21. Review status: criteria provided, single submitter. Criteria: Ambry Variant Classification Scheme 2023. Collection method: clinical testing. Allele origin: germline.
Comment: The p.D869E variant (also known as c.2607C>A), located in coding exon 20 of the L1CAM gene, results from a C to A substitution at nucleotide position 2607. The aspartic acid at codon 869 is replaced by glutamic acid, an amino acid with highly similar properties. This amino acid position is not well conserved in available vertebrate species. In addition, this alteration is predicted to be tolerated by in silico analysis. Since supporting evidence is limited at this time, the clinical significance of this alteration remains unclear.

NM_001278116.2(L1CAM):c.2607C>A (p.Asp869Glu)

Gene: L1CAM (L1 cell adhesion molecule; minus strand). Cytogenetic location: Xq28.
Variant type: single nucleotide variant.
Coding change: c.2607C>A on transcript NM_001278116.2 (MANE Select); coding-DNA position 2607, C replaced by A.
Protein change: p.Asp869Glu; replaces aspartic acid 869 with glutamic acid.
Molecular consequence: missense variant.
Genome position (GRCh38, 1-based): chrX:153,865,441, G>T on the plus strand (C>A on the coding strand, the complement: L1CAM is on the minus strand). VCF-style: chrX-153865441-G-T. GRCh37 (hg19) VCF-style: chrX-153130896-G-T.
Other names: p.Asp869Glu; c.2607C>A, p.Asp869Glu (NM_000425.5, NM_024003.3); c.2592C>A, p.Asp864Glu (NM_001143963.2); c.2607C>A (NM_000425.4); short protein forms D869E, D864E.
Identifiers: ClinVar variation 1793741 (VCV001793741.8), dbSNP rs145986413, ClinGen allele CA10554132.